The following is an entry in ClinVar:

NM_001018113.3(FANCB):c.1103C>T (p.Ser368Leu)

Gene: FANCB (FA complementation group B; minus strand). Cytogenetic location: Xp22.2.
Variant type: single nucleotide variant.
Coding change: c.1103C>T on transcript NM_001018113.3 (MANE Select); coding-DNA position 1103, C replaced by T.
Protein change: p.Ser368Leu; replaces serine 368 with leucine.
Molecular consequence: missense variant.
Genome position (GRCh38, 1-based): chrX:14,859,183, G>A on the plus strand (C>T on the coding strand, the complement: FANCB is on the minus strand). VCF-style: chrX-14859183-G-A. GRCh37 (hg19) VCF-style: chrX-14877305-G-A.
Other names: c.1103C>T (NM_001018113.2); c.1103C>T, p.Ser368Leu (NM_001324162.2, NM_152633.4); short protein forms S368L.
Identifiers: ClinVar variation 1312584 (VCV001312584.14), dbSNP rs143585647, ClinGen allele CA10353130.

ClinVar aggregate classification (germline): Conflicting classifications of pathogenicity. Review status: criteria provided, conflicting classifications (1 of 4 stars). 5 submissions from 5 submitters: Uncertain significance (3); Likely benign (1). 1 of the submissions does not count toward it. Last evaluated 2025-10-17.

Conditions:
Fanconi anemia complementation group B (FANCB). Also called: FANCONI PANCYTOPENIA, TYPE 2; FANCB-Related Fanconi Anemia. Identifiers: Orphanet 84, MedGen C1845292, MONDO:0010351, OMIM 300514.
VACTERL association, X-linked, with or without hydrocephalus (VACTERLX). Also called: X-linked VACTERL-H syndrome; VACTERL-H, X-LINKED; VACTERL Association with Hydrocephalus, X-linked; VACTERL ASSOCIATION, X-LINKED. Identifiers: Orphanet 3412, MedGen C2931228, MONDO:0010752, OMIM 314390.
FANCB-related disorder. Also called: FANCB-related condition.
Fanconi anemia (FA). Also called: Fanconi's anemia. Identifiers: Orphanet 84, MedGen C0015625, MeSH D005199, MONDO:0019391.

Allele frequency attached by ClinVar (database versions not stated): gnomAD exomes 0.00002 and 0.00003; gnomAD 0.00003 and 0.00004; ExAC 0.00004; TOPMed 0.00004; ESP Exome Variant Server 0.00009.
gnomAD v4.1: 33 of 1,169,624 alleles (0.0028%); highest among the groups gnomAD compares: Admixed American, 0.0066%; no homozygotes.

Submissions (5):

Labcorp Genetics (formerly Invitae), Labcorp
Classification: Likely benign for Fanconi anemia. Last evaluated: 2025-10-17. Review status: criteria provided, single submitter. Criteria: Invitae Variant Classification Sherloc (09022015). Collection method: clinical testing. Allele origin: germline.

Department of Pathology and Laboratory Medicine, Sinai Health System
Classification: Uncertain significance for Fanconi anemia complementation group B; VACTERL association, X-linked, with or without hydrocephalus. Last evaluated: 2022-06-09. Review status: criteria provided, single submitter. Criteria: ACMG Guidelines, 2015. Collection method: research. Allele origin: germline.

Institute for Clinical Genetics, University Hospital TU Dresden, University Hospital TU Dresden
Classification: Uncertain significance. Last evaluated: 2021-11-03. Review status: criteria provided, single submitter. Criteria: ACMG Guidelines, 2015. Collection method: clinical testing. Allele origin: germline.

GeneDx
Classification: Uncertain significance. Last evaluated: 2020-03-16. Review status: criteria provided, single submitter. Criteria: GeneDx Variant Classification Process June 2021. Collection method: clinical testing. Allele origin: germline. Affected: yes.
Comment: In silico analysis supports that this missense variant has a deleterious effect on protein structure/function; Has not been previously published as pathogenic or benign to our knowledge

PreventionGenetics, part of Exact Sciences
Classification: Uncertain significance for FANCB-related condition. Last evaluated: 2023-10-26. Review status: no assertion criteria provided. Collection method: clinical testing. Allele origin: germline. Not counted in ClinVar's aggregate classification.
Comment: The FANCB c.1103C>T variant is predicted to result in the amino acid substitution p.Ser368Leu. To our knowledge, this variant has not been reported in the literature. This variant is reported in 0.0050% of alleles in individuals of European (Non-Finnish) descent in gnomAD, including on hemizygote. At this time, the clinical significance of this variant is uncertain due to the absence of conclusive functional and genetic evidence.